The following is an entry in ClinVar:

NM_003072.5(SMARCA4):c.3783C>G (p.His1261Gln)

Gene: SMARCA4 (SWI/SNF related BAF chromatin remodeling complex subunit ATPase 4; plus strand). Cytogenetic location: 19p13.2.
Variant type: single nucleotide variant.
Coding change: c.3783C>G on transcript NM_003072.5 (MANE Select); coding-DNA position 3783, C replaced by G.
Protein change: p.His1261Gln; replaces histidine 1261 with glutamine.
Molecular consequence: missense variant. On other transcripts: intron variant (5).
Genome position (GRCh38, 1-based): chr19:11,033,775, C>G. VCF-style: chr19-11033775-C-G. GRCh37 (hg19) VCF-style: chr19-11144451-C-G.
Other names: c.3783C>G, p.His1261Gln (NM_001128844.3, NM_001128849.3, NM_001387283.1); c.3774+258C>G (NM_001128847.4, NM_001374457.1, NM_001128845.2 and 2 more transcripts); short protein forms H1261Q.
Identifiers: ClinVar variation 212252 (VCV000212252.7), dbSNP rs797045985, ClinGen allele CA208484.

ClinVar aggregate classification (germline): Uncertain significance. Review status: criteria provided, multiple submitters, no conflicts (2 of 4 stars). 2 submissions from 2 submitters: Uncertain significance (2). Last evaluated 2025-05-16.

Submissions (2):

GeneDx
Classification: Uncertain significance. Last evaluated: 2025-05-16. Review status: criteria provided, single submitter. Criteria: GeneDx Variant Classification Process June 2021. Collection method: clinical testing. Allele origin: germline. Affected: yes.
Comment: Not observed at significant frequency in large population cohorts (gnomAD); In silico analysis suggests that this missense variant does not alter protein structure/function; Has not been previously published as pathogenic or benign to our knowledge

Genetic Services Laboratory, University of Chicago
Classification: Uncertain significance. Last evaluated: 2015-07-24. Review status: criteria provided, single submitter. Criteria: ACMG Guidelines, 2015. Collection method: clinical testing. Allele origin: germline.